The following is an entry in ClinVar:

ClinVar aggregate classification (germline): Benign (1 of 4 stars; one submission).

Conditions:
Autosomal recessive proximal renal tubular acidosis (PRTAO). Also called: RENAL TUBULAR ACIDOSIS, PROXIMAL, WITH OCULAR ABNORMALITIES AND IMPAIRED INTELLECTUAL DEVELOPMENT; RENAL TUBULAR ACIDOSIS, PROXIMAL, WITH OCULAR ABNORMALITIES AND MENTAL RETARDATION; RTA, PROXIMAL, AUTOSOMAL RECESSIVE; PROXIMAL RENAL TUBULAR ACIDOSIS-OCULAR ANOMALY SYNDROME. Identifiers: Orphanet 93607, MedGen C1970309, MONDO:0011422, OMIM 604278.

Allele frequency attached by ClinVar (database versions not stated): gnomAD 0.00587 and 0.00620; 1000 Genomes Project 30x 0.00656; TOPMed 0.00674; 1000 Genomes Project 0.00679.

Submission:

Illumina Laboratory Services, Illumina
Classification: Benign for Autosomal recessive proximal renal tubular acidosis. Last evaluated: 2018-01-13. Review status: criteria provided, single submitter. Criteria: ICSL Variant Classification Criteria 13 December 2019. Collection method: clinical testing. Allele origin: germline.
Comment: This variant was observed in the ICSL laboratory as part of a predisposition screen in an ostensibly healthy population. It had not been previously curated by ICSL or reported in the Human Gene Mutation Database (HGMD: prior to June 1st, 2018), and was therefore a candidate for classification through an automated scoring system. Utilizing variant allele frequency, disease prevalence and penetrance estimates, and inheritance mode, an automated score was calculated to assess if this variant is too frequent to cause the disease. Based on the score and internal cut-off values, a variant classified as benign is not then subjected to further curation. The score for this variant resulted in a classification of benign for this disease.

NM_001098484.3(SLC4A4):c.*1986G>A

Gene: SLC4A4 (solute carrier family 4 member 4; plus strand). Cytogenetic location: 4q13.3.
Variant type: single nucleotide variant.
Coding change: c.*1986G>A on transcript NM_001098484.3 (MANE Select); 1986 bases downstream of the stop codon, G replaced by A.
Molecular consequence: 3 prime UTR variant.
Genome position (GRCh38, 1-based): chr4:71,569,737, G>A. VCF-style: chr4-71569737-G-A. GRCh37 (hg19) VCF-style: chr4-72435454-G-A.
Other names: c.*1844G>A (NM_001134742.2); c.*1986G>A (NM_003759.4).
Identifiers: ClinVar variation 906915 (VCV000906915.4), dbSNP rs72854477, ClinGen allele CA99475887.